The following is an entry in ClinVar:

ClinVar aggregate classification (germline): Likely benign (1 of 4 stars; one submission).

Allele frequency attached by ClinVar (database versions not stated): TOPMed 0.00007; ESP Exome Variant Server 0.00008; gnomAD 0.00011; ExAC 0.00012; gnomAD exomes 0.00016.
gnomAD v4.1: 254 of 1,598,600 alleles (0.016%); highest among the groups gnomAD compares: Non-Finnish European, 0.02%; no homozygotes.

Submission:

CeGaT Center for Human Genetics Tuebingen
Classification: Likely benign. Last evaluated: 2023-02-01. Review status: criteria provided, single submitter. Criteria: CeGaT Center For Human Genetics Tuebingen Variant Classification Criteria Version 2. Collection method: clinical testing. Allele origin: germline. Affected: yes. Observed: 1 variant allele.
Comment: ANXA6: BP4, BP7

NM_001155.5(ANXA6):c.1317C>T (p.Tyr439=)

Gene: ANXA6 (annexin A6; minus strand). Cytogenetic location: 5q33.1.
Variant type: single nucleotide variant.
Coding change: c.1317C>T on transcript NM_001155.5 (MANE Select); coding-DNA position 1317, C replaced by T.
Protein change: p.Tyr439=; no amino-acid change (tyrosine 439 retained).
Molecular consequence: synonymous variant.
Genome position (GRCh38, 1-based): chr5:151,122,177, G>A on the plus strand (C>T on the coding strand, the complement: ANXA6 is on the minus strand). VCF-style: chr5-151122177-G-A. GRCh37 (hg19) VCF-style: chr5-150501738-G-A.
Other names: c.1221C>T, p.Tyr407= (NM_001193544.2); c.1317C>T, p.Tyr439= (NM_001363114.2).
Identifiers: ClinVar variation 2655942 (VCV002655942.24), dbSNP rs372417182, ClinGen allele CA3516776.